The following is an entry in ClinVar:

NM_002880.4(RAF1):c.623C>A (p.Ala208Glu)

Gene: RAF1 (Raf-1 proto-oncogene, serine/threonine kinase; minus strand). Cytogenetic location: 3p25.2.
Variant type: single nucleotide variant.
Coding change: c.623C>A on transcript NM_002880.4 (MANE Select); coding-DNA position 623, C replaced by A.
Protein change: p.Ala208Glu; replaces alanine 208 with glutamic acid.
Molecular consequence: missense variant. On other transcripts: non-coding transcript variant (3), intron variant (2).
Genome position (GRCh38, 1-based): chr3:12,606,258, G>T on the plus strand (C>A on the coding strand, the complement: RAF1 is on the minus strand). VCF-style: chr3-12606258-G-T. GRCh37 (hg19) VCF-style: chr3-12647757-G-T.
Other names: c.623C>A, p.Ala208Glu (NM_001354689.3, NM_001354690.3); c.380C>A, p.Ala127Glu (NM_001354691.3, NM_001354692.3, NM_001354694.3); c.339-1969C>A (NM_001354695.3); c.582-1969C>A (NM_001354693.3); short protein forms A208E, A127E.
Identifiers: ClinVar variation 2750010 (VCV002750010.4), dbSNP rs376554439, ClinGen allele CA351514707.

ClinVar aggregate classification (germline): Uncertain significance. Review status: criteria provided, multiple submitters, no conflicts (2 of 4 stars). 2 submissions from 2 submitters: Uncertain significance (2). Last evaluated 2024-04-08.

Conditions:
RASopathy. Also called: rasopathies; Noonan spectrum disorder. Identifiers: Orphanet 536391, MedGen C5555857, MONDO:0021060.

Allele frequency attached by ClinVar (database versions not stated): gnomAD exomes below 0.00001.
gnomAD v4.1: 1 of 1,613,988 alleles (0.000062%); no homozygotes.

Submissions (2):

Women's Health and Genetics/Laboratory Corporation of America, LabCorp
Classification: Uncertain significance. Last evaluated: 2024-04-08. Review status: criteria provided, single submitter. Criteria: LabCorp Variant Classification Summary - May 2015. Collection method: clinical testing. Allele origin: germline.
Comment: Variant summary: RAF1 c.623C>A (p.Ala208Glu) results in a non-conservative amino acid change in the encoded protein sequence. Three of five in-silico tools predict a benign effect of the variant on protein function. The variant was absent in 251400 control chromosomes. The available data on variant occurrences in the general population are insufficient to allow any conclusion about variant significance. To our knowledge, no occurrence of c.623C>A in individuals affected with Noonan Syndrome and no experimental evidence demonstrating its impact on protein function have been reported. ClinVar contains an entry for this variant (Variation ID: 2750010). Based on the evidence outlined above, the variant was classified as uncertain significance.

Labcorp Genetics (formerly Invitae), Labcorp
Classification: Uncertain significance for RASopathy. Last evaluated: 2023-08-04. Review status: criteria provided, single submitter. Criteria: Invitae Variant Classification Sherloc (09022015). Collection method: clinical testing. Allele origin: germline.
Comment: In summary, the available evidence is currently insufficient to determine the role of this variant in disease. Therefore, it has been classified as a Variant of Uncertain Significance. This sequence change replaces alanine, which is neutral and non-polar, with glutamic acid, which is acidic and polar, at codon 208 of the RAF1 protein (p.Ala208Glu). This variant is not present in population databases (gnomAD no frequency). This variant has not been reported in the literature in individuals affected with RAF1-related conditions. Advanced modeling of protein sequence and biophysical properties (such as structural, functional, and spatial information, amino acid conservation, physicochemical variation, residue mobility, and thermodynamic stability) performed at Invitae indicates that this missense variant is not expected to disrupt RAF1 protein function.